The following is an entry in ClinVar:

NM_031924.8(RSPH3):c.1219G>A (p.Ala407Thr)

Gene: RSPH3 (radial spoke head 3; minus strand). Cytogenetic location: 6q25.3.
Variant type: single nucleotide variant.
Coding change: c.1219G>A on transcript NM_031924.8 (MANE Select); coding-DNA position 1219, G replaced by A.
Protein change: p.Ala407Thr; replaces alanine 407 with threonine.
Molecular consequence: missense variant. On other transcripts: non-coding transcript variant (1).
Genome position (GRCh38, 1-based): chr6:158,977,576, C>T on the plus strand (G>A on the coding strand, the complement: RSPH3 is on the minus strand). VCF-style: chr6-158977576-C-T. GRCh37 (hg19) VCF-style: chr6-159398608-C-T.
Other names: c.1357G>A, p.Ala453Thr (NM_001346418.1); short protein forms A453T, A407T.
Identifiers: ClinVar variation 657841 (VCV000657841.6), dbSNP rs764221184, ClinGen allele CA4075696.

ClinVar aggregate classification (germline): Uncertain significance (1 of 4 stars; one submission).

Conditions:
Primary ciliary dyskinesia 32. Also called: CILIARY DYSKINESIA, PRIMARY, 32, WITHOUT SITUS INVERSUS. Identifiers: Orphanet 244, MedGen C4225311, MONDO:0014657, OMIM 616481.

Allele frequency attached by ClinVar (database versions not stated): ExAC 0.00001; gnomAD exomes 0.00001 and 0.00005; gnomAD 0.00004; TOPMed 0.00005.
gnomAD v4.1: 82 of 1,613,512 alleles (0.0051%); highest among the groups gnomAD compares: Non-Finnish European, 0.0066%; no homozygotes.

Submission:

Labcorp Genetics (formerly Invitae), Labcorp
Classification: Uncertain significance for Primary ciliary dyskinesia 32. Last evaluated: 2021-09-01. Review status: criteria provided, single submitter. Criteria: Invitae Variant Classification Sherloc (09022015). Collection method: clinical testing. Allele origin: germline.
Comment: This sequence change replaces alanine with threonine at codon 549 of the RSPH3 protein (p.Ala549Thr). The alanine residue is weakly conserved and there is a small physicochemical difference between alanine and threonine. This variant is present in population databases (rs764221184, ExAC 0.002%). This variant has not been reported in the literature in individuals affected with RSPH3-related conditions. Algorithms developed to predict the effect of missense changes on protein structure and function (SIFT, PolyPhen-2, Align-GVGD) all suggest that this variant is likely to be tolerated. In summary, the available evidence is currently insufficient to determine the role of this variant in disease. Therefore, it has been classified as a Variant of Uncertain Significance.